The following is an entry in ClinVar:

NM_001130438.3(SPTAN1):c.3998C>G (p.Ala1333Gly)

Gene: SPTAN1 (spectrin alpha, non-erythrocytic 1; plus strand). Cytogenetic location: 9q34.11.
Variant type: single nucleotide variant.
Coding change: c.3998C>G on transcript NM_001130438.3 (MANE Select); coding-DNA position 3998, C replaced by G.
Protein change: p.Ala1333Gly; replaces alanine 1333 with glycine.
Molecular consequence: missense variant.
Genome position (GRCh38, 1-based): chr9:128,605,429, C>G. VCF-style: chr9-128605429-C-G. GRCh37 (hg19) VCF-style: chr9-131367708-C-G.
Other names: c.3938C>G, p.Ala1313Gly (NM_001195532.2, NM_001363765.2, NM_001375314.2); c.3998C>G, p.Ala1333Gly (NM_001363759.2, NM_001375310.1, NM_001375311.2 and 2 more transcripts); c.4034C>G, p.Ala1345Gly (NM_001375312.2, NM_001375318.1); short protein forms A1313G, A1333G, A1345G.
Identifiers: ClinVar variation 1353010 (VCV001353010.7), dbSNP rs2131576989, ClinGen allele CA375065354.

ClinVar aggregate classification (germline): Uncertain significance (1 of 4 stars; one submission).

Conditions:
Early-infantile DEE. Also called: Early infantile epileptic encephalopathy with suppression bursts; Ohtahara syndrome; Early infantile epileptic encephalopathy. Identifiers: Orphanet 1934, MedGen C0393706, MONDO:0800491.

Submission:

Labcorp Genetics (formerly Invitae), Labcorp
Classification: Uncertain significance for Early-infantile DEE. Last evaluated: 2023-08-17. Review status: criteria provided, single submitter. Criteria: Invitae Variant Classification Sherloc (09022015). Collection method: clinical testing. Allele origin: germline.
Comment: In summary, the available evidence is currently insufficient to determine the role of this variant in disease. Therefore, it has been classified as a Variant of Uncertain Significance. Advanced modeling of protein sequence and biophysical properties (such as structural, functional, and spatial information, amino acid conservation, physicochemical variation, residue mobility, and thermodynamic stability) has been performed at Invitae for this missense variant, however the output from this modeling did not meet the statistical confidence thresholds required to predict the impact of this variant on SPTAN1 protein function. ClinVar contains an entry for this variant (Variation ID: 1353010). This variant has not been reported in the literature in individuals affected with SPTAN1-related conditions. This variant is not present in population databases (gnomAD no frequency). This sequence change replaces alanine, which is neutral and non-polar, with glycine, which is neutral and non-polar, at codon 1333 of the SPTAN1 protein (p.Ala1333Gly).